The following is an entry in ClinVar:

ClinVar aggregate classification (germline): Uncertain significance (1 of 4 stars; one submission).

Conditions:
Mucopolysaccharidosis, MPS-IV-A (MPS4A). Also called: MPS IVA; mucopolysaccharidosis type 4A; Morquio syndrome A, mild; MORQUIO SYNDROME A; GALACTOSAMINE-6-SULFATASE DEFICIENCY; GALNS DEFICIENCY. Identifiers: Orphanet 309297, Orphanet 582, MedGen C0086651, MONDO:0009659, OMIM 253000.

Submission:

Neuberg Centre For Genomic Medicine, NCGM
Classification: Uncertain significance for Mucopolysaccharidosis, MPS-IV-A. Last evaluated: 2023-06-22. Review status: criteria provided, single submitter. Criteria: ACMG Guidelines, 2015. Collection method: clinical testing. Allele origin: germline. Inheritance: Autosomal recessive inheritance. Affected: yes.
Comment: The missense variant c.285T>A(p.Asn95Lys) in the GALNS gene has not been reported previously as a pathogenic variant nor as a benign variant, to our knowledge. The p.Asn95Lys variant is absent in gnomAD exomes. This variant has not been submitted to the ClinVar database. Multiple lines of computational evidences (Polyphen - Probably damaging, SIFT - Damaging and MutationTaster - Disease causing) predict a damaging effect on protein structure and function for this variant. The reference amino acid Asn at position 95 is changed to a Lys changing protein sequence and it might alter its composition and physico chemical properties. For these reasons, this variant has been classified as Uncertain Significance (VUS).

NM_000512.5(GALNS):c.285T>A (p.Asn95Lys)

Gene: GALNS (galactosamine (N-acetyl)-6-sulfatase; minus strand). Cytogenetic location: 16q24.3.
Variant type: single nucleotide variant.
Coding change: c.285T>A on transcript NM_000512.5 (MANE Select); coding-DNA position 285, T replaced by A.
Protein change: p.Asn95Lys; replaces asparagine 95 with lysine.
Molecular consequence: missense variant. On other transcripts: 5 prime UTR variant (1).
Genome position (GRCh38, 1-based): chr16:88,841,931, A>T on the plus strand (T>A on the coding strand, the complement: GALNS is on the minus strand). VCF-style: chr16-88841931-A-T. GRCh37 (hg19) VCF-style: chr16-88908339-A-T.
Other names: c.-271T>A (NM_001323543.2); c.303T>A, p.Asn101Lys (NM_001323544.2); short protein forms N101K, N95K.
Identifiers: ClinVar variation 3731286 (VCV003731286.1).
Genomic context (GRCh38, chr16:88,841,931, plus strand): 5'-GTCCCTGGAGGCGGTGGGCAGCCTACCGTTTCTGGCATGGGCGTTGGTGGTGTAGAAGCC[A>T]TTGCGGATGGGTAGCCGTCCTGTGAGCAGTGCCGCCCTCGCTATGTGGAGGTGACAGAAA-3'
Protein context (NP_000503.1, residues 85-105): ALLTGRLPIR[Asn95Lys]GFYTTNAHAR